The following is an entry in ClinVar:

ClinVar aggregate classification (germline): Uncertain significance (1 of 4 stars; one submission).

Allele frequency attached by ClinVar (database versions not stated): TOPMed 0.00001.
gnomAD v4.1: 14 of 1,607,106 alleles (0.00087%); highest among the groups gnomAD compares: Non-Finnish European, 0.0011%; no homozygotes.

Submission:

Labcorp Genetics (formerly Invitae), Labcorp
Classification: Uncertain significance. Last evaluated: 2022-05-24. Review status: criteria provided, single submitter. Criteria: Invitae Variant Classification Sherloc (09022015). Collection method: clinical testing. Allele origin: germline.
Comment: In summary, the available evidence is currently insufficient to determine the role of this variant in disease. Therefore, it has been classified as a Variant of Uncertain Significance. Algorithms developed to predict the effect of missense changes on protein structure and function are either unavailable or do not agree on the potential impact of this missense change (SIFT: "Tolerated"; PolyPhen-2: "Probably Damaging"; Align-GVGD: "Class C0"). This variant has not been reported in the literature in individuals affected with POP1-related conditions. This variant is not present in population databases (gnomAD no frequency). This sequence change replaces cysteine, which is neutral and slightly polar, with tyrosine, which is neutral and polar, at codon 978 of the POP1 protein (p.Cys978Tyr).

NM_001145860.2(POP1):c.2933G>A (p.Cys978Tyr)

Gene: POP1 (POP1 ribonuclease P/MRP subunit; plus strand). Cytogenetic location: 8q22.2.
Variant type: single nucleotide variant.
Coding change: c.2933G>A on transcript NM_001145860.2 (MANE Select); coding-DNA position 2933, G replaced by A.
Protein change: p.Cys978Tyr; replaces cysteine 978 with tyrosine.
Molecular consequence: missense variant.
Genome position (GRCh38, 1-based): chr8:98,158,129, G>A. VCF-style: chr8-98158129-G-A. GRCh37 (hg19) VCF-style: chr8-99170357-G-A.
Other names: c.2933G>A, p.Cys978Tyr (NM_001145861.2, NM_015029.3); short protein forms C978Y.
Identifiers: ClinVar variation 2189925 (VCV002189925.4), dbSNP rs1489471731, ClinGen allele CA371778018.